The following is an entry in ClinVar:

ClinVar aggregate classification (germline): Uncertain significance (1 of 4 stars; one submission).

Allele frequency attached by ClinVar (database versions not stated): gnomAD exomes below 0.00001; TOPMed 0.00002.
gnomAD v4.1: 2 of 1,614,238 alleles (0.00012%); highest among the groups gnomAD compares: Admixed American, 0.0033%; no homozygotes.

Submission:

Labcorp Genetics (formerly Invitae), Labcorp
Classification: Uncertain significance. Last evaluated: 2023-03-04. Review status: criteria provided, single submitter. Criteria: Invitae Variant Classification Sherloc (09022015). Collection method: clinical testing. Allele origin: germline.
Comment: This sequence change replaces glutamic acid, which is acidic and polar, with aspartic acid, which is acidic and polar, at codon 184 of the NIN protein (p.Glu184Asp). This variant is present in population databases (no rsID available, gnomAD 0.006%). In summary, the available evidence is currently insufficient to determine the role of this variant in disease. Therefore, it has been classified as a Variant of Uncertain Significance. Algorithms developed to predict the effect of missense changes on protein structure and function output the following: SIFT: "Not Available"; PolyPhen-2: "Possibly Damaging"; Align-GVGD: "Not Available". The aspartic acid amino acid residue is found in multiple mammalian species, which suggests that this missense change does not adversely affect protein function. This variant has not been reported in the literature in individuals affected with NIN-related conditions.

NM_020921.4(NIN):c.552A>C (p.Glu184Asp)

Gene: NIN (ninein; minus strand). Cytogenetic location: 14q22.1.
Variant type: single nucleotide variant.
Coding change: c.552A>C on transcript NM_020921.4 (MANE Select); coding-DNA position 552, A replaced by C.
Protein change: p.Glu184Asp; replaces glutamic acid 184 with aspartic acid.
Molecular consequence: missense variant.
Genome position (GRCh38, 1-based): chr14:50,777,063, T>G on the plus strand (A>C on the coding strand, the complement: NIN is on the minus strand). VCF-style: chr14-50777063-T-G. GRCh37 (hg19) VCF-style: chr14-51243781-T-G.
Other names: c.552A>C, p.Glu184Asp (NM_016350.5, NM_182944.3, NM_182946.2); short protein forms E184D.
Identifiers: ClinVar variation 2960617 (VCV002960617.3), dbSNP rs1358036957, ClinGen allele CA389670664.